The following is an entry in ClinVar:

NM_015559.3(SETBP1):c.1943T>G (p.Phe648Cys)

Gene: SETBP1 (SET binding protein 1; plus strand). Cytogenetic location: 18q12.3.
Variant type: single nucleotide variant.
Coding change: c.1943T>G on transcript NM_015559.3 (MANE Select); coding-DNA position 1943, T replaced by G.
Protein change: p.Phe648Cys; replaces phenylalanine 648 with cysteine.
Molecular consequence: missense variant.
Genome position (GRCh38, 1-based): chr18:44,951,283, T>G. VCF-style: chr18-44951283-T-G. GRCh37 (hg19) VCF-style: chr18-42531248-T-G.
Other names: c.1943T>G, p.Phe648Cys (NM_001379141.1, NM_001379142.1, NM_001410862.1); short protein forms F648C.
Identifiers: ClinVar variation 3710829 (VCV003710829.2).

ClinVar aggregate classification (germline): Uncertain significance (1 of 4 stars; one submission).

gnomAD v4.1: 2 of 1,613,468 alleles (0.00012%); highest among the groups gnomAD compares: Non-Finnish European, 0.00017%; no homozygotes.

Submission:

Labcorp Genetics (formerly Invitae), Labcorp
Classification: Uncertain significance. Last evaluated: 2024-05-29. Review status: criteria provided, single submitter. Criteria: Invitae Variant Classification Sherloc (09022015). Collection method: clinical testing. Allele origin: germline.
Comment: This sequence change replaces phenylalanine, which is neutral and non-polar, with cysteine, which is neutral and slightly polar, at codon 648 of the SETBP1 protein (p.Phe648Cys). This variant is present in population databases (no rsID available, gnomAD 0.0009%). This variant has not been reported in the literature in individuals affected with SETBP1-related conditions. Advanced modeling of protein sequence and biophysical properties (such as structural, functional, and spatial information, amino acid conservation, physicochemical variation, residue mobility, and thermodynamic stability) performed at Invitae indicates that this missense variant is not expected to disrupt SETBP1 protein function with a negative predictive value of 80%. In summary, the available evidence is currently insufficient to determine the role of this variant in disease. Therefore, it has been classified as a Variant of Uncertain Significance.